The following is an entry in ClinVar:

ClinVar aggregate classification (germline): Pathogenic (1 of 4 stars; one submission).

Conditions:
Hereditary cancer-predisposing syndrome. Also called: Tumor predisposition; Hereditary Cancer Syndrome; Neoplastic Syndromes, Hereditary; Hereditary neoplastic syndrome. Identifiers: Orphanet 140162, MedGen C0027672, MeSH D009386, MONDO:0015356.

Submission:

Ambry Genetics
Classification: Pathogenic for Hereditary cancer-predisposing syndrome. Last evaluated: 2024-07-05. Review status: criteria provided, single submitter. Criteria: Ambry Variant Classification Scheme 2023. Collection method: clinical testing. Allele origin: germline.
Comment: The p.K2465* pathogenic mutation (also known as c.7393A>T), located in coding exon 49 of the ATM gene, results from an A to T substitution at nucleotide position 7393. This changes the amino acid from a lysine to a stop codon within coding exon 49. This variant is considered to be rare based on population cohorts in the Genome Aggregation Database (gnomAD). This alteration is expected to result in loss of function by premature protein truncation or nonsense-mediated mRNA decay. As such, this alteration is interpreted as a disease-causing mutation.

NM_000051.4(ATM):c.7393A>T (p.Lys2465Ter)

Genes: ATM (ATM serine/threonine kinase; plus strand), C11orf65 (chromosome 11 open reading frame 65; minus strand). Cytogenetic location: 11q22.3.
Variant type: single nucleotide variant.
Coding change: c.7393A>T on transcript NM_000051.4 (MANE Select); coding-DNA position 7393, A replaced by T.
Protein change: p.Lys2465Ter; replaces lysine 2465 with a stop codon.
Molecular consequence: nonsense. On other transcripts: intron variant (2).
Genome position (GRCh38, 1-based): chr11:108,330,299, A>T. VCF-style: chr11-108330299-A-T. GRCh37 (hg19) VCF-style: chr11-108201026-A-T.
Other names: c.7393A>T, p.Lys2465Ter (NM_001351834.2); c.641-21228T>A (NM_001330368.2); c.*38+4921T>A (NM_001351110.2); short protein forms K2465*.
Identifiers: ClinVar variation 3449816 (VCV003449816.1).